The following is an entry in ClinVar:

ClinVar aggregate classification (germline): Uncertain significance (1 of 4 stars; one submission).

Conditions:
PEX1-related disorder. Also called: PEX1-related condition.

gnomAD v4.1: 23 of 1,547,984 alleles (0.0015%); highest among the groups gnomAD compares: Non-Finnish European, 0.0018%; no homozygotes.

Submission:

PreventionGenetics, part of Exact Sciences
Classification: Uncertain significance for PEX1-related condition. Last evaluated: 2026-04-23. Review status: criteria provided, single submitter. Criteria: ACMG Guidelines, 2015. Collection method: clinical testing. Allele origin: germline.
Comment: The PEX1 c.694G>A variant is predicted to result in the amino acid substitution p.Glu232Lys. To our knowledge, this variant has not been reported in the literature. This variant is reported in 0.0032% of alleles in individuals of European (Non-Finnish) descent in gnomAD. At this time, the clinical significance of this variant is uncertain due to the absence of conclusive functional and genetic evidence.

NM_000466.3(PEX1):c.694G>A (p.Glu232Lys)

Gene: PEX1 (peroxisomal biogenesis factor 1; minus strand). Cytogenetic location: 7q21.2.
Variant type: single nucleotide variant.
Coding change: c.694G>A on transcript NM_000466.3 (MANE Select); coding-DNA position 694, G replaced by A.
Protein change: p.Glu232Lys; replaces glutamic acid 232 with lysine.
Molecular consequence: missense variant.
Genome position (GRCh38, 1-based): chr7:92,517,821, C>T on the plus strand (G>A on the coding strand, the complement: PEX1 is on the minus strand). VCF-style: chr7-92517821-C-T. GRCh37 (hg19) VCF-style: chr7-92147135-C-T.
Other names: c.694G>A, p.Glu232Lys (NM_001282677.2); c.70G>A, p.Glu24Lys (NM_001282678.2); short protein forms E232K, E24K.
Identifiers: ClinVar variation 4980042 (VCV004980042.1).